The following is an entry in ClinVar:

ClinVar aggregate classification (germline): Pathogenic/Likely pathogenic. Review status: criteria provided, multiple submitters, no conflicts (2 of 4 stars). 10 submissions from 10 submitters: Pathogenic (6); Likely pathogenic (3). 1 of the submissions does not count toward it. Last evaluated 2025-11-28.

Conditions:
MSH6-related disorder. Also called: MSH6-related condition; MSH6-Related disorders.
Hereditary nonpolyposis colon cancer (HNPCC). Also called: Hereditary nonpolyposis colorectal cancer; Familial nonpolyposis colon cancer; Hereditary Nonpolyposis Colorectal Cancer Syndrome. Identifiers: Orphanet 443909, MedGen C1333990, MONDO:0018630. Disease mechanism: loss of function.
Hereditary nonpolyposis colorectal neoplasms. Identifiers: MedGen C0009405, MeSH D003123.
Lynch syndrome 5 (LYNCH5). Also called: Colorectal cancer, hereditary nonpolyposis, type 5; Hereditary non-polyposis colorectal cancer, type 5. Identifiers: Orphanet 144, MedGen C1833477, MONDO:0013710, OMIM 614350. Disease mechanism: loss of function.
Mismatch repair cancer syndrome 1 (MMRCS1). Also called: BRAIN TUMOR-POLYPOSIS SYNDROME 1; BTP1 SYNDROME; CHILDHOOD CANCER SYNDROME; MISMATCH REPAIR DEFICIENCY; MMR DEFICIENCY. Identifiers: Orphanet 252202, MedGen C5399763, MONDO:0010159, OMIM 276300. Disease mechanism: loss of function.
Hereditary cancer-predisposing syndrome. Also called: Neoplastic Syndromes, Hereditary; Tumor predisposition; Hereditary Cancer Syndrome; Hereditary neoplastic syndrome. Identifiers: Orphanet 140162, MedGen C0027672, MeSH D009386, MONDO:0015356.
Lynch syndrome. Identifiers: Orphanet 144, MedGen C4552100, MONDO:0005835. Disease mechanism: loss of function.
Endometrial carcinoma. Also called: Endometrial carcinoma, somatic. Identifiers: MedGen C0476089, MONDO:0002447, OMIM 608089, HP:0012114.

Submissions (10):

Labcorp Genetics (formerly Invitae), Labcorp
Classification: Pathogenic for Hereditary nonpolyposis colorectal neoplasms. Last evaluated: 2025-11-28. Review status: criteria provided, single submitter. Criteria: Invitae Variant Classification Sherloc (09022015). Collection method: clinical testing. Allele origin: germline.
Comment: This variant, c.3744_3773del, results in the deletion of 10 amino acid(s) of the MSH6 protein (p.His1248_Ser1257del), but otherwise preserves the integrity of the reading frame. This variant is present in population databases (no rsID available, gnomAD 0.0009%). This variant has been observed in individuals with Lynch syndrome-related cancers and Lynch syndrome (External communication, internal data). It has also been observed to segregate with disease in related individuals. Invitae Evidence Modeling of clinical and family history, age, sex, and reported ancestry of multiple individuals with this MSH6 variant has been performed. This variant is expected to be pathogenic with a positive predictive value of at least 99%. This is a validated machine learning model that incorporates the clinical features of 1,627,235 individuals referred to our laboratory for MSH6 testing. ClinVar contains an entry for this variant (Variation ID: 218070). Experimental studies and prediction algorithms are not available or were not evaluated, and the functional significance of this variant is currently unknown. For these reasons, this variant has been classified as Pathogenic.

PreventionGenetics, part of Exact Sciences
Classification: Pathogenic for MSH6-related condition. Last evaluated: 2025-04-25. Review status: criteria provided, single submitter. Criteria: ACMG Guidelines, 2015. Collection method: clinical testing. Allele origin: germline.
Comment: The MSH6 c.3744_3773del30 variant is predicted to result in an in-frame deletion (p.His1248_Ser1257del). This variant has been reported in an individual with colorectal cancer (eTables 1 and 11, Chang et al. 2018. PubMed ID: 29710228), in an individual with a uterine corpus endometrial cancer with loss of MSH6 expression by immunohistochemistry (IHC; Case 35, Table 1, Dedeurwaerdere et al. 2021. PubMed ID: 34145315), and a healthy adult from a screening cohort (Table S2, Haverfield et al. 2021. PubMed ID: 34404389). This variant is reported in 1 of ~251,000 alleles in gnomAD. This in-frame deletion of 10 amino acids in a non-repeat region is predicted to critically alter the protein by disrupting the ATPase domain (Warren JJ et al. 2007. PubMed ID: 17531815). It is interpreted as likely pathogenic and pathogenic in ClinVar. This variant is interpreted as pathogenic.

Ambry Genetics
Classification: Pathogenic for Hereditary cancer-predisposing syndrome. Last evaluated: 2025-03-13. Review status: criteria provided, single submitter. Criteria: Ambry Variant Classification Scheme 2023. Collection method: clinical testing. Allele origin: germline.
Comment: The c.3744_3773del30 pathogenic mutation (also known as p.H1248_S1257del) is located in coding exon 8 of the MSH6 gene. This mutation results from an in-frame deletion of 30 nucleotides at positions 3744 to 3773 and causes the removal of 10 well-conserved amino acid residues at codons 1248 to 1257. This mutation has been seen in individuals with Lynch syndrome, including three families meeting Amsterdam criteria with tumor results from one family showing loss of MSH6 protein on immunohistochemistry (Chang K et al. JAMA Oncol, 2018 08;4:1085-1092; Ambry internal data). In addition, this mutation segregated with disease in the three families with a combined LOD score of 1.8 (Ambry internal data). Based on internal structural analysis, this alteration results in a distortion of the &alpha;-helix of a protein-protein interface of MSH6, significantly altering the surrounding residues (Warren JJ et al. Mol. Cell. 2007 May; 26(4):579-92). Based on the supporting evidence, this alteration is interpreted as a disease-causing mutation.

Quest Diagnostics Nichols Institute San Juan Capistrano
Classification: Pathogenic. Last evaluated: 2025-02-19. Review status: criteria provided, single submitter. Criteria: Quest Diagnostics criteria. Collection method: clinical testing. Allele origin: unknown.
Comment: The MSH6 c.3744_3773del (p.His1248_Ser1257del) variant has been reported in the published literature in patients with Lynch syndrome (PMID: 29710228 (2018)). Tumor analysis with immunohistochemistry showed loss of MSH6 protein (PMID: 34145315 (2021)). This variant has been reported to segregate with disease in multiple families (Ambry, personal communication regarding ClinVar Variation ID: 218070). Based on the available information, this variant is classified as pathogenic.

Women's Health and Genetics/Laboratory Corporation of America, LabCorp
Classification: Pathogenic for Hereditary nonpolyposis colon cancer. Last evaluated: 2024-12-20. Review status: criteria provided, single submitter. Criteria: LabCorp Variant Classification Summary - May 2015. Collection method: clinical testing. Allele origin: germline.
Comment: Variant summary: MSH6 c.3744_3773del30 (p.His1248_Ser1257del) results in an in-frame deletion that is predicted to remove 10 amino acids from the DNA mismatch repair protein MutS, C-terminal domain of the encoded protein. The variant allele was found at a frequency of 4e-06 in 251206 control chromosomes. c.3744_3773del30 has been reported in the literature in multiple individuals affected with features of Lynch Syndrome/Hereditary Nonpolyposis Colorectal Cancer (example, Chang_2018, Dedeurwaerdere_2021, personal correspondance from our partner laboratory). These data indicate that the variant is very likely to be associated with disease. At-least one co-occurrence with another pathogenic variant has been observed at our laboratory (APC c.487C>T, p.Gln163X). To our knowledge, no experimental evidence demonstrating an impact on protein function has been reported. The following publications have been ascertained in the context of this evaluation (PMID: 29710228, 34145315, 29922827). ClinVar contains an entry for this variant (Variation ID: 218070). Based on the evidence outlined above, the variant was classified as pathogenic.

Baylor Genetics
Classification: Likely pathogenic for Endometrial carcinoma. Last evaluated: 2024-01-20. Review status: criteria provided, single submitter. Criteria: ACMG Guidelines, 2015. Collection method: clinical testing. Allele origin: unknown.

All of Us Research Program, National Institutes of Health
Classification: Likely pathogenic for Lynch syndrome. Last evaluated: 2023-08-15. Review status: criteria provided, single submitter. Criteria: ACMG Guidelines, 2015. Collection method: clinical testing. Allele origin: germline. Inheritance: Autosomal dominant inheritance. Observed: 1 variant allele, 1 heterozygote.
Comment: This variant causes an in-frame deletion of 10 amino acids at exon 8 of the MSH6 protein. To our knowledge, functional studies have not been reported for this variant. This variant has been reported in individuals affected with Lynch syndrome and Lynch syndrome-associated cancer (PMID: 29710228; ClinVar SCV000580154.5, SCV000624910.8), and in an individual affected with mismatch repair deficient endometrial cancer (PMID: 34145315).This variant has been identified in 1/251206 chromosomes in the general population by the Genome Aggregation Database (gnomAD). Based on the available evidence, this variant is classified as Likely Pathogenic.

This study involves interpretation of variants in research participants for the purpose of population health screening. Participant phenotype was not available at the time of variant classification. Additional details can be found in publication PMID: 35346344, PMCID: PMC8962531

Color Diagnostics, LLC DBA Color Health
Classification: Likely pathogenic for Hereditary cancer-predisposing syndrome. Last evaluated: 2023-06-08. Review status: criteria provided, single submitter. Criteria: ACMG Guidelines, 2015. Collection method: clinical testing. Allele origin: germline.
Comment: This variant causes an in-frame deletion of 10 amino acids at exon 8 of the MSH6 protein. To our knowledge, functional studies have not been reported for this variant. This variant has been reported in individuals affected with Lynch syndrome and Lynch syndrome-associated cancer (PMID: 29710228; ClinVar SCV000580154.5, SCV000624910.8), and in an individual affected with mismatch repair deficient endometrial cancer (PMID: 34145315).This variant has been identified in 1/251206 chromosomes in the general population by the Genome Aggregation Database (gnomAD). Based on the available evidence, this variant is classified as Likely Pathogenic.

GeneDx
Classification: Pathogenic. Last evaluated: 2022-09-01. Review status: criteria provided, single submitter. Criteria: GeneDx Variant Classification Process June 2021. Collection method: clinical testing. Allele origin: germline. Affected: yes.
Comment: In-frame deletion of 10 amino acids in a non-repeat region predicted to critically alter the protein: disrupts the ATPase domain (Warren et al., 2007, Kansikas et al., 2011); In silico analysis supports a deleterious effect on protein structure/function; Not observed at significant frequency in large population cohorts (gnomAD); This variant is associated with the following publications: (PMID: 28765196, 25504618, 29922827, 17531815, 21120944, 34145315)

Mayo Clinic Laboratories, Mayo Clinic
Classification: Uncertain significance. Review status: no assertion criteria provided. Collection method: research. Allele origin: unknown. Observed: 1 variant allele. Not counted in ClinVar's aggregate classification.

Literature cited by the submitters: PubMed 17531815 (cited by Ambry Genetics); PubMed 29710228 (cited by 4 submitters); PubMed 34145315 (cited by 5 submitters); PubMed 29922827 (cited by Women's Health and Genetics/Laboratory Corporation of America, LabCorp).

NM_000179.3(MSH6):c.3744_3773del (p.His1248_Ser1257del)

Gene: MSH6 (mutS homolog 6; plus strand). Cytogenetic location: 2p16.3.
Variant type: Deletion.
Coding change: c.3744_3773del on transcript NM_000179.3 (MANE Select); coding-DNA positions 3744 to 3773, 30 bases deleted (CTACCATTCATTAGTAGAAGATTATTCTCA).
Protein change: p.His1248_Ser1257del.
Molecular consequence: inframe deletion.
Genome position (GRCh38, 1-based): chr2:47,806,301-47,806,330, CTACCATTCATTAGTAGAAGATTATTCTCA deleted; deleting any 30 consecutive bases within chr2:47,806,297-47,806,330 gives the same sequence; the c. name uses the placement nearest the transcript's 3' end. VCF-style (leftmost placement, unchanged base first): chr2-47806296-ACTCACTACCATTCATTAGTAGAAGATTATT-A. GRCh37 (hg19) VCF-style: chr2-48033435-ACTCACTACCATTCATTAGTAGAAGATTATT-A.
Other names: c.3354_3383del, p.His1118_Ser1127del (NM_001281492.2); c.2838_2867del, p.His946_Ser955del (NM_001281493.2, NM_001281494.2); c.3744_3773delCTACCATTCATTAGTAGAAGATTATTCTCA (NM_000179.2); c.3744_3773del30 (NM_000179.2, NM_000179.3).
Identifiers: ClinVar variation 218070 (VCV000218070.33), dbSNP rs863225412, ClinGen allele CA279716.